The following is an entry in ClinVar:

NM_004722.4(AP4M1):c.218dup (p.Asn73fs)

Gene: AP4M1 (adaptor related protein complex 4 subunit mu 1; plus strand). Cytogenetic location: 7q22.1.
Variant type: Duplication.
Coding change: c.218dup on transcript NM_004722.4 (MANE Select); coding-DNA position 218, one base duplicated (A; older notation c.218dupA).
Protein change: p.Asn73fs; shifts the reading frame from asparagine 73.
Molecular consequence: frameshift variant.
Genome position (GRCh38, 1-based): chr7:100,102,745, A duplicated; the last of 4 consecutive A bases (chr7:100,102,742-100,102,745); duplicating any one gives the same sequence. VCF-style (leftmost placement, unchanged base first): chr7-100102741-G-GA. GRCh37 (hg19) VCF-style: chr7-99700364-G-GA.
Other names: c.218dupA (NM_004722.3); c.239dup, p.Asn80fs (NM_001363671.2); short protein forms N73fs, N80fs.
Identifiers: ClinVar variation 450739 (VCV000450739.6), dbSNP rs1321353475, ClinGen allele CA576711270.

ClinVar aggregate classification (germline): Pathogenic. Review status: criteria provided, multiple submitters, no conflicts (2 of 4 stars). 3 submissions from 3 submitters: Pathogenic (2). 1 of the submissions does not count toward it. Last evaluated 2025-04-22.

Conditions:
Spastic paraplegia. Identifiers: MedGen C0037772, HP:0001258.
Hereditary spastic paraplegia 50 (SPG50). Also called: Spastic paraplegia 50, autosomal recessive. Identifiers: Orphanet 280763, MedGen C2752008, MONDO:0013048, OMIM 612936.

Submissions (3):

Labcorp Genetics (formerly Invitae), Labcorp
Classification: Pathogenic for Hereditary spastic paraplegia 50. Last evaluated: 2025-04-22. Review status: criteria provided, single submitter. Criteria: Invitae Variant Classification Sherloc (09022015). Collection method: clinical testing. Allele origin: germline.
Comment: This sequence change creates a premature translational stop signal (p.Asn73Lysfs*43) in the AP4M1 gene. It is expected to result in an absent or disrupted protein product. Loss-of-function variants in AP4M1 are known to be pathogenic (PMID: 24700674, 25496299, 25558065). This variant is present in population databases (no rsID available, gnomAD 0.0009%). This premature translational stop signal has been observed in individual(s) with hereditary spastic paraplegia (PMID: 31915823). ClinVar contains an entry for this variant (Variation ID: 450739). For these reasons, this variant has been classified as Pathogenic.

GeneDx
Classification: Pathogenic. Last evaluated: 2017-07-17. Review status: criteria provided, single submitter. Criteria: GeneDx Variant Classification (06012015). Collection method: clinical testing. Allele origin: germline. Affected: yes.
Comment: The c.218dupA variant in the AP4M1 gene has not been reported previously as a pathogenic variant nor as a benign variant, to our knowledge. The c.218dupA variant causes a frameshift starting with codon Asparagine 73, changes this amino acid to a Lysine residue, and creates a premature Stop codon at position 43 of the new reading frame, denoted p.Asn73LysfsX43. This variant is predicted to cause loss of normal protein function either through protein truncation or nonsense-mediated mRNA decay. The c.218dupA variant is not observed in large population cohorts (Lek et al., 2016; 1000 Genomes Consortium et al., 2015; Exome Variant Server). We interpret c.218dupA as a pathogenic variant.

Yale Center for Mendelian Genomics, Yale University
Classification: Likely pathogenic for Spastic paraplegia. Last evaluated: 2020-10-01. Review status: no assertion criteria provided. Collection method: literature only. Allele origin: germline. Affected: yes. Observed: 1 compound heterozygote. Study: Yale Center for Mendelian Genomics. Not counted in ClinVar's aggregate classification.

Literature cited by the submitters: PubMed 24700674 (cited by Labcorp Genetics (formerly Invitae), Labcorp); PubMed 25496299 (cited by Labcorp Genetics (formerly Invitae), Labcorp); PubMed 25558065 (cited by Labcorp Genetics (formerly Invitae), Labcorp); PubMed 31915823 (cited by Labcorp Genetics (formerly Invitae), Labcorp); PubMed 32979048 (cited by Yale Center for Mendelian Genomics, Yale University).